The following is an entry in ClinVar:

NM_001349253.2(SCN11A):c.2666G>C (p.Arg889Thr)

Gene: SCN11A (sodium voltage-gated channel alpha subunit 11; minus strand). Cytogenetic location: 3p22.2.
Variant type: single nucleotide variant.
Coding change: c.2666G>C on transcript NM_001349253.2 (MANE Select); coding-DNA position 2666, G replaced by C.
Protein change: p.Arg889Thr; replaces arginine 889 with threonine.
Molecular consequence: missense variant.
Genome position (GRCh38, 1-based): chr3:38,894,702, C>G on the plus strand (G>C on the coding strand, the complement: SCN11A is on the minus strand). VCF-style: chr3-38894702-C-G. GRCh37 (hg19) VCF-style: chr3-38936193-C-G.
Other names: c.2666G>C, p.Arg889Thr (NM_014139.3); short protein forms R889T.
Identifiers: ClinVar variation 1304900 (VCV001304900.4), dbSNP rs566379034, ClinGen allele CA2321993.

ClinVar aggregate classification (germline): Uncertain significance. Review status: criteria provided, multiple submitters, no conflicts (2 of 4 stars). 2 submissions from 2 submitters: Uncertain significance (2). Last evaluated 2026-01-29.

Conditions:
Hereditary sensory and autonomic neuropathy type 7. Also called: HSAN VII; Neuropathy, hereditary sensory and autonomic, type VII. Identifiers: Orphanet 391397, MedGen C3809882, MONDO:0014244, OMIM 615548.
Familial episodic pain syndrome with predominantly lower limb involvement. Also called: Episodic pain syndrome, familial, 3. Identifiers: Orphanet 391384, Orphanet 391392, MedGen C3809899, MONDO:0014247, OMIM 615552.

Allele frequency attached by ClinVar (database versions not stated): gnomAD 0.00001 and 0.00002; 1000 Genomes Project 30x 0.00016; gnomAD exomes below 0.00001; ExAC 0.00001; TOPMed 0.00002; 1000 Genomes Project 0.00020.
gnomAD v4.1: 7 of 1,614,170 alleles (0.00043%); highest among the groups gnomAD compares: Admixed American, 0.012%; no homozygotes.

Submissions (2):

Labcorp Genetics (formerly Invitae), Labcorp
Classification: Uncertain significance for Familial episodic pain syndrome with predominantly lower limb involvement; Hereditary sensory and autonomic neuropathy type 7. Last evaluated: 2026-01-29. Review status: criteria provided, single submitter. Criteria: Invitae Variant Classification Sherloc (09022015). Collection method: clinical testing. Allele origin: germline.
Comment: This sequence change replaces arginine, which is basic and polar, with threonine, which is neutral and polar, at codon 889 of the SCN11A protein (p.Arg889Thr). This variant is present in population databases (rs566379034, gnomAD 0.003%). This variant has not been reported in the literature in individuals affected with SCN11A-related conditions. ClinVar contains an entry for this variant (Variation ID: 1304900). An algorithm developed to predict the effect of missense changes on protein structure and function (PolyPhen-2) suggests that this variant is likely to be tolerated. In summary, the available evidence is currently insufficient to determine the role of this variant in disease. Therefore, it has been classified as a Variant of Uncertain Significance.

GeneDx
Classification: Uncertain significance. Last evaluated: 2019-04-16. Review status: criteria provided, single submitter. Criteria: GeneDx Variant Classification Process June 2021. Collection method: clinical testing. Allele origin: germline. Affected: yes.
Comment: In silico analysis, which includes protein predictors and evolutionary conservation, supports that this variant does not alter protein structure/function; Has not been previously published as pathogenic or benign to our knowledge